The following is an entry in ClinVar:

ClinVar aggregate classification (germline): Conflicting classifications of pathogenicity. Review status: criteria provided, conflicting classifications (1 of 4 stars). 4 submissions from 4 submitters: Uncertain significance (2); Benign (1). 1 of the submissions does not count toward it. Last evaluated 2025-10-26.

Conditions:
Kabuki syndrome 1 (KABUK1). Also called: KMT2D-Related Kabuki Syndrome. Identifiers: Orphanet 2322, MedGen CN030661, MONDO:0007843, OMIM 147920.
Choanal atresia-athelia-hypothyroidism-delayed puberty-short stature syndrome (BCAHH). Also called: BRANCHIAL ARCH ABNORMALITIES, CHOANAL ATRESIA, ATHELIA, HEARING LOSS, AND HYPOTHYROIDISM SYNDROME. Identifiers: Orphanet 589856, MedGen C5680310, MONDO:0035651, OMIM 620186.
KMT2D-related disorder. Also called: KMT2D-Related Disorders.
Kabuki syndrome. Also called: NIIKAWA-KUROKI SYNDROME; Kabuki make-up syndrome. Identifiers: Orphanet 2322, MedGen C0796004, MONDO:0016512.

Allele frequency attached by ClinVar (database versions not stated): ExAC 0.00001; gnomAD 0.00001; gnomAD exomes 0.00001 and 0.00002; TOPMed 0.00001.
gnomAD v4.1: 25 of 1,613,156 alleles (0.0015%); highest among the groups gnomAD compares: Middle Eastern, 0.016%; no homozygotes.

Submissions (4):

Labcorp Genetics (formerly Invitae), Labcorp
Classification: Benign for Kabuki syndrome. Last evaluated: 2025-10-26. Review status: criteria provided, single submitter. Criteria: Invitae Variant Classification Sherloc (09022015). Collection method: clinical testing. Allele origin: germline.

PreventionGenetics, part of Exact Sciences
Classification: Uncertain significance for KMT2D-related condition. Last evaluated: 2025-02-27. Review status: criteria provided, single submitter. Criteria: ACMG Guidelines, 2015. Collection method: clinical testing. Allele origin: germline.
Comment: The KMT2D c.13582G>A variant is predicted to result in the amino acid substitution p.Ala4528Thr. To our knowledge, this variant has not been reported in the literature. This variant is reported in 0.0018% of alleles in individuals of European (Non-Finnish) descent in gnomAD. At this time, the clinical significance of this variant is uncertain due to the absence of conclusive functional and genetic evidence.

Fulgent Genetics
Classification: Uncertain significance for Kabuki syndrome 1; Choanal atresia-athelia-hypothyroidism-delayed puberty-short stature syndrome. Last evaluated: 2024-02-14. Review status: criteria provided, single submitter. Criteria: ACMG Guidelines, 2015. Collection method: clinical testing. Allele origin: germline.

ITMI
No classification provided. Condition: AllHighlyPenetrant. Last evaluated: 2013-09-19. Review status: no classification provided. Collection method: reference population. Allele origin: germline. Not counted in ClinVar's aggregate classification.
Comment: Please see associated publication for description of ethnicities

Literature cited by the submitters: PubMed 24728327 (cited by ITMI).

NM_003482.4(KMT2D):c.13582G>A (p.Ala4528Thr)

Gene: KMT2D (lysine methyltransferase 2D; minus strand). Cytogenetic location: 12q13.12.
Variant type: single nucleotide variant.
Coding change: c.13582G>A on transcript NM_003482.4 (MANE Select); coding-DNA position 13582, G replaced by A.
Protein change: p.Ala4528Thr; replaces alanine 4528 with threonine.
Molecular consequence: missense variant.
Genome position (GRCh38, 1-based): chr12:49,030,982, C>T on the plus strand (G>A on the coding strand, the complement: KMT2D is on the minus strand). VCF-style: chr12-49030982-C-T. GRCh37 (hg19) VCF-style: chr12-49424765-C-T.
Other names: c.13582G>A (NM_003482.3); short protein forms A4528T.
Identifiers: ClinVar variation 134722 (VCV000134722.9), dbSNP rs587778480, ClinGen allele CA160615.